The following is an entry in ClinVar:

NM_007294.4(BRCA1):c.194A>C (p.Lys65Thr)

Gene: BRCA1 (BRCA1 DNA repair associated; minus strand). Cytogenetic location: 17q21.31.
Variant type: single nucleotide variant.
Coding change: c.194A>C on transcript NM_007294.4 (MANE Select); coding-DNA position 194, A replaced by C.
Protein change: p.Lys65Thr; replaces lysine 65 with threonine.
Molecular consequence: missense variant.
Genome position (GRCh38, 1-based): chr17:43,106,474, T>G on the plus strand (A>C on the coding strand, the complement: BRCA1 is on the minus strand). VCF-style: chr17-43106474-T-G. GRCh37 (hg19) VCF-style: chr17-41258491-T-G.
Other names: c.194A>C, p.Lys65Thr (NM_001408437.1, NM_001408438.1, NM_001408439.1 and 168 more transcripts); c.53A>C, p.Lys18Thr (NM_001408452.1, NM_001408453.1, NM_001408454.1 and 99 more transcripts); short protein forms K65T, K18T.
Identifiers: ClinVar variation 868265 (VCV000868265.6), dbSNP rs2054775618, ClinGen allele CA10601782.
Genomic context (GRCh38, chr17:43,106,474, plus strand): 5'-CTGTGGTTGCTTCCAACCTAGCATCATTACCAAATTATATACCTTTTGGTTATATCATTC[T>G]TACATAAAGGACACTGTGAAGGCCCTTTCTTCTGGTTGAGAAGTTTCAGCATGCAAAATC-3'
Protein context (NP_009225.1, residues 55-75): KKGPSQCPLC[Lys65Thr]NDITKRSLQE

ClinVar aggregate classification (germline): Uncertain significance (1 of 4 stars; one submission).

Conditions:
Hereditary breast ovarian cancer syndrome. Also called: Hereditary breast and ovarian cancer; Hereditary breast and ovarian cancer syndrome (HBOC); Breast and ovarian cancer; Hereditary breast and/or ovarian cancer syndrome; BRCA1- and BRCA2-Associated Hereditary Breast and Ovarian Cancer; Hereditary breast and ovarian cancer syndrome. Identifiers: Orphanet 145, MedGen C0677776, MeSH D061325, MONDO:0003582. Disease mechanism: loss of function.

Submissions (2):

Labcorp Genetics (formerly Invitae), Labcorp
Classification: Uncertain significance for Hereditary breast ovarian cancer syndrome. Last evaluated: 2023-03-09. Review status: criteria provided, single submitter. Criteria: Invitae Variant Classification Sherloc (09022015). Collection method: clinical testing. Allele origin: germline.
Comment: RNA analysis performed to evaluate the impact of this missense change on mRNA splicing indicates it does not significantly alter splicing (Invitae). This sequence change replaces lysine, which is basic and polar, with threonine, which is neutral and polar, at codon 65 of the BRCA1 protein (p.Lys65Thr). This variant is not present in population databases (gnomAD no frequency). This variant has not been reported in the literature in individuals affected with BRCA1-related conditions. ClinVar contains an entry for this variant (Variation ID: 868265). Advanced modeling performed at Invitae incorporating data from internal and/or published experimental studies (PMID: 30209399) indicates that this missense variant is not expected to disrupt BRCA1 function. In summary, the available evidence is currently insufficient to determine the role of this variant in disease. Therefore, it has been classified as a Variant of Uncertain Significance.

Brotman Baty Institute, University of Washington
No classification provided (evidence only). Condition: Breast-ovarian cancer, familial 1. Review status: no classification provided. Collection method: in vitro. Allele origin: not applicable. Functional consequence: functionally_normal. Not counted in ClinVar's aggregate classification.
ClinVar note: "not provided" was previously submitted as the classification for the variant. However, the classification appeared to be based only on an observation of functional data so it was converted to no classification on 2025-07-30.

Literature cited by the submitters: PubMed 30209399 (cited by Labcorp Genetics (formerly Invitae), Labcorp).